The following is an entry in ClinVar:

ClinVar aggregate classification (germline): Uncertain significance (1 of 4 stars; one submission).

Conditions:
Gorlin syndrome. Also called: Basal cell nevus syndrome; Nevoid Basal Cell Carcinoma Syndrome. Identifiers: Orphanet 377, MedGen C0004779, MONDO:0007187.

Submission:

Labcorp Genetics (formerly Invitae), Labcorp
Classification: Uncertain significance for Gorlin syndrome. Last evaluated: 2024-01-21. Review status: criteria provided, single submitter. Criteria: Invitae Variant Classification Sherloc (09022015). Collection method: clinical testing. Allele origin: germline.
Comment: This sequence change falls in intron 4 of the PTCH2 gene. It does not directly change the encoded amino acid sequence of the PTCH2 protein. It affects a nucleotide within the consensus splice site. This variant is not present in population databases (gnomAD no frequency). This variant has not been reported in the literature in individuals affected with PTCH2-related conditions. Variants that disrupt the consensus splice site are a relatively common cause of aberrant splicing (PMID: 17576681, 9536098). Algorithms developed to predict the effect of sequence changes on RNA splicing suggest that this variant is not likely to affect RNA splicing. In summary, the available evidence is currently insufficient to determine the role of this variant in disease. Therefore, it has been classified as a Variant of Uncertain Significance.

Literature cited by the submitters: PubMed 17576681; PubMed 9536098.

NM_003738.5(PTCH2):c.525+3A>G

Gene: PTCH2 (patched 2; minus strand). Cytogenetic location: 1p34.1.
Variant type: single nucleotide variant.
Coding change: c.525+3A>G on transcript NM_003738.5 (MANE Select); 3 bases into the intron after coding-DNA position 525, A replaced by G.
Molecular consequence: intron variant.
Genome position (GRCh38, 1-based): chr1:44,831,972, T>C on the plus strand (A>G on the coding strand, the complement: PTCH2 is on the minus strand). VCF-style: chr1-44831972-T-C. GRCh37 (hg19) VCF-style: chr1-45297644-T-C.
Other names: c.525+3A>G (NM_001166292.2).
Identifiers: ClinVar variation 2751465 (VCV002751465.3), dbSNP rs2522008593, ClinGen allele CA2697552370.
Genomic context (GRCh38, chr1:44,831,972, plus strand): 5'-GGTCTCTGAGTCCTCCCACGCTACAGAAAAAGTTCTGCCTCTACTCCCTCTCAGGACACT[T>C]ACCCGCTCAATCATTCCATTTTCAATAAGGGGAACTCCTGACTTGTAGCAGATTTTGTTC-3'